The following is an entry in ClinVar:

ClinVar aggregate classification (germline): Uncertain significance (1 of 4 stars; one submission).

Conditions:
Leber congenital amaurosis 9 (LCA9). Also called: LCA9 Leber Congenital Amaurosis; LCA 9; Amaurosis congenita of Leber, type 9. Identifiers: Orphanet 65, MedGen C1837873, MONDO:0012056, OMIM 608553.

Allele frequency attached by ClinVar (database versions not stated): gnomAD exomes below 0.00001.

Submission:

Labcorp Genetics (formerly Invitae), Labcorp
Classification: Uncertain significance for Leber congenital amaurosis 9. Last evaluated: 2022-05-16. Review status: criteria provided, single submitter. Criteria: Invitae Variant Classification Sherloc (09022015). Collection method: clinical testing. Allele origin: germline.
Comment: This sequence change replaces alanine, which is neutral and non-polar, with serine, which is neutral and polar, at codon 31 of the NMNAT1 protein (p.Ala31Ser). This variant is not present in population databases (gnomAD no frequency). This variant has not been reported in the literature in individuals affected with NMNAT1-related conditions. Algorithms developed to predict the effect of missense changes on protein structure and function are either unavailable or do not agree on the potential impact of this missense change (SIFT: "Deleterious"; PolyPhen-2: "Probably Damaging"; Align-GVGD: "Class C0"). In summary, the available evidence is currently insufficient to determine the role of this variant in disease. Therefore, it has been classified as a Variant of Uncertain Significance.

NM_022787.4(NMNAT1):c.91G>T (p.Ala31Ser)

Gene: NMNAT1 (nicotinamide nucleotide adenylyltransferase 1; plus strand). Cytogenetic location: 1p36.22.
Variant type: single nucleotide variant.
Coding change: c.91G>T on transcript NM_022787.4 (MANE Select); coding-DNA position 91, G replaced by T.
Protein change: p.Ala31Ser; replaces alanine 31 with serine.
Molecular consequence: missense variant.
Genome position (GRCh38, 1-based): chr1:9,972,164, G>T. VCF-style: chr1-9972164-G-T. GRCh37 (hg19) VCF-style: chr1-10032222-G-T.
Other names: c.91G>T, p.Ala31Ser (NM_001297778.1, NM_001297779.2); short protein forms A31S.
Identifiers: ClinVar variation 1995070 (VCV001995070.4), dbSNP rs2522209239, ClinGen allele CA338683592.